The following is an entry in ClinVar:

NM_004329.3(BMPR1A):c.859A>G (p.Asn287Asp)

Gene: BMPR1A (bone morphogenetic protein receptor type 1A; plus strand). Cytogenetic location: 10q23.2.
Variant type: single nucleotide variant.
Coding change: c.859A>G on transcript NM_004329.3 (MANE Select); coding-DNA position 859, A replaced by G.
Protein change: p.Asn287Asp; replaces asparagine 287 with aspartic acid.
Molecular consequence: missense variant. On other transcripts: non-coding transcript variant (3).
Genome position (GRCh38, 1-based): chr10:86,917,317, A>G. VCF-style: chr10-86917317-A-G. GRCh37 (hg19) VCF-style: chr10-88677074-A-G.
Other names: c.859A>G, p.Asn287Asp (NM_001406581.1, NM_001406582.1, NM_001406570.1 and 19 more transcripts); c.853A>G, p.Asn285Asp (NM_001406583.1); c.775A>G, p.Asn259Asp (NM_001406584.1, NM_001406585.1, NM_001406586.1 and 2 more transcripts); c.517A>G, p.Asn173Asp (NM_001406589.1); c.934A>G, p.Asn312Asp (NM_001406559.1); c.907A>G, p.Asn303Asp (NM_001406560.1); short protein forms N287D, N259D, N303D, N173D, N285D, N312D.
Identifiers: ClinVar variation 3992018 (VCV003992018.1).

ClinVar aggregate classification (germline): Uncertain significance (1 of 4 stars; one submission).

Conditions:
Hereditary cancer-predisposing syndrome. Also called: Tumor predisposition; Hereditary neoplastic syndrome; Neoplastic Syndromes, Hereditary; Hereditary Cancer Syndrome. Identifiers: Orphanet 140162, MedGen C0027672, MeSH D009386, MONDO:0015356.

gnomAD v4.1: 1 of 1,614,182 alleles (0.000062%); highest among the groups gnomAD compares: Non-Finnish European, 0.000085%; no homozygotes.

Submission:

Ambry Genetics
Classification: Uncertain significance for Hereditary cancer-predisposing syndrome. Last evaluated: 2025-03-18. Review status: criteria provided, single submitter. Criteria: Ambry Variant Classification Scheme 2023. Collection method: clinical testing. Allele origin: germline.
Comment: The p.N287D variant (also known as c.859A>G), located in coding exon 7 of the BMPR1A gene, results from an A to G substitution at nucleotide position 859. The asparagine at codon 287 is replaced by aspartic acid, an amino acid with highly similar properties. This amino acid position is conserved. In addition, this alteration is predicted to be deleterious by in silico analysis. Based on the available evidence, the clinical significance of this variant remains unclear.